The following is an entry in ClinVar:

NM_001625.4(AK2):c.*2346_*2347insAA

Gene: AK2 (adenylate kinase 2; minus strand). Cytogenetic location: 1p35.1.
Variant type: Insertion.
Coding change: c.*2346_*2347insAA on transcript NM_001625.4 (MANE Select); 2346 bases downstream of the stop codon through 2347 bases downstream of the stop codon, AA inserted.
Molecular consequence: 3 prime UTR variant. On other transcripts: splice acceptor variant (5).
Genome position: GRCh38 VCF-style: chr1-33010834-C-CTT. GRCh37 (hg19) VCF-style: chr1-33476435-C-CTT.
Other names: c.*2346_*2347insAA (NM_001319140.2); c.*2569_*2570insAA (NM_001319143.2); c.695-2_695-1insAA (NM_013411.5); c.569-2_569-1insAA (NM_001319142.3); c.671-2_671-1insAA (NM_001199199.3); c.*45-2_*45-1insAA (NM_001319141.3); c.551-2_551-1insAA (NM_001319139.3).
Identifiers: ClinVar variation 4988606 (VCV004988606.1).

ClinVar aggregate classification (germline): Likely benign (1 of 4 stars; one submission).

Conditions:
AK2-related disorder. Also called: AK2-related condition.

Submission:

PreventionGenetics, part of Exact Sciences
Classification: Likely benign for AK2-related condition. Last evaluated: 2024-12-07. Review status: criteria provided, single submitter. Criteria: ACMG Guidelines, 2015. Collection method: clinical testing. Allele origin: germline.
Comment: This variant is classified as likely benign based on ACMG/AMP sequence variant interpretation guidelines (Richards et al. 2015 PMID: 25741868, with internal and published modifications).